The following is an entry in ClinVar:

NM_000426.4(LAMA2):c.8858-1G>A

Gene: LAMA2 (laminin subunit alpha 2; plus strand). Cytogenetic location: 6q22.33.
Variant type: single nucleotide variant.
Coding change: c.8858-1G>A on transcript NM_000426.4 (MANE Select); the canonical splice acceptor site of the intron before coding-DNA position 8858, G replaced by A.
Molecular consequence: splice acceptor variant.
Genome position (GRCh38, 1-based): chr6:129,512,362, G>A. VCF-style: chr6-129512362-G-A. GRCh37 (hg19) VCF-style: chr6-129833507-G-A.
Other names: c.8846-1G>A (NM_001079823.2).
Identifiers: ClinVar variation 558552 (VCV000558552.6), dbSNP rs1554319117, ClinGen allele CA365635987.

ClinVar aggregate classification (germline): Likely pathogenic. Review status: criteria provided, multiple submitters, no conflicts (2 of 4 stars). 3 submissions from 3 submitters: Likely pathogenic (2). 1 of the submissions does not count toward it. Last evaluated 2024-06-07.

Conditions:
Merosin deficient congenital muscular dystrophy (MDC1A). Also called: Congenital Muscular Dystrophy Type 1A (MDC1A); Congenital merosin-deficient muscular dystrophy 1A. Identifiers: Orphanet 258, MedGen C1263858, MONDO:0011925, OMIM 607855.
Muscular dystrophy, limb-girdle, autosomal recessive 23. Identifiers: Orphanet 565837, MedGen C4748327, MONDO:0029136, OMIM 618138.
LAMA2-related muscular dystrophy (LAMA2-RD). Also called: Laminin alpha 2-related dystrophy. Identifiers: MedGen C5679788, MONDO:0100228.

Allele frequency attached by ClinVar (database versions not stated): gnomAD exomes below 0.00001.
gnomAD v4.1: 1 of 1,613,344 alleles (0.000062%); highest among the groups gnomAD compares: Non-Finnish European, 0.000085%; no homozygotes.

Submissions (3):

Labcorp Genetics (formerly Invitae), Labcorp
Classification: Likely pathogenic for LAMA2-related muscular dystrophy. Last evaluated: 2024-06-07. Review status: criteria provided, single submitter. Criteria: Invitae Variant Classification Sherloc (09022015). Collection method: clinical testing. Allele origin: germline.
Comment: This sequence change affects an acceptor splice site in intron 62 of the LAMA2 gene. It is expected to disrupt RNA splicing. Variants that disrupt the donor or acceptor splice site typically lead to a loss of protein function (PMID: 16199547), and loss-of-function variants in LAMA2 are known to be pathogenic (PMID: 18700894, 32904964). This variant is not present in population databases (gnomAD no frequency). This variant has not been reported in the literature in individuals affected with LAMA2-related conditions. ClinVar contains an entry for this variant (Variation ID: 558552). Algorithms developed to predict the effect of sequence changes on RNA splicing suggest that this variant may disrupt the consensus splice site. In summary, the currently available evidence indicates that the variant is pathogenic, but additional data are needed to prove that conclusively. Therefore, this variant has been classified as Likely Pathogenic.

Fulgent Genetics
Classification: Likely pathogenic for Merosin deficient congenital muscular dystrophy; Muscular dystrophy, limb-girdle, autosomal recessive 23. Last evaluated: 2024-05-06. Review status: criteria provided, single submitter. Criteria: ACMG Guidelines, 2015. Collection method: clinical testing. Allele origin: germline.

Counsyl
Classification: Likely pathogenic for Merosin deficient congenital muscular dystrophy. Last evaluated: 2018-05-31. Review status: no assertion criteria provided. Collection method: clinical testing. Allele origin: unknown. Not counted in ClinVar's aggregate classification.

Literature cited by the submitters: PubMed 16199547 (cited by Labcorp Genetics (formerly Invitae), Labcorp); PubMed 18700894 (cited by Labcorp Genetics (formerly Invitae), Labcorp); PubMed 32904964 (cited by Labcorp Genetics (formerly Invitae), Labcorp).